The following is an entry in ClinVar:

NM_003098.3(SNTA1):c.112G>A (p.Asp38Asn)

Genes: SNTA1 (syntrophin alpha 1; minus strand), LOC130065680 (ATAC-STARR-seq lymphoblastoid silent region 12812; plus strand). Cytogenetic location: 20q11.21.
Variant type: single nucleotide variant.
Coding change: c.112G>A on transcript NM_003098.3 (MANE Select); coding-DNA position 112, G replaced by A.
Protein change: p.Asp38Asn; replaces aspartic acid 38 with asparagine.
Molecular consequence: missense variant.
Genome position (GRCh38, 1-based): chr20:33,443,509, C>T on the plus strand (G>A on the coding strand, the complement: SNTA1 is on the minus strand). VCF-style: chr20-33443509-C-T. GRCh37 (hg19) VCF-style: chr20-32031315-C-T.
Other names: c.112G>A, p.Asp38Asn (NM_001424413.1, NM_001424414.1); short protein forms D38N.
Identifiers: ClinVar variation 2609472 (VCV002609472.4), dbSNP rs1990634022, ClinGen allele CA408634497.

ClinVar aggregate classification (germline): Uncertain significance. Review status: criteria provided, multiple submitters, no conflicts (2 of 4 stars). 2 submissions from 2 submitters: Uncertain significance (2). Last evaluated 2025-11-24.

Conditions:
Cardiovascular phenotype. Identifiers: MedGen CN230736.
Long QT syndrome (LQTS). Identifiers: MedGen C0023976, MeSH D008133, MONDO:0002442. Disease mechanism: loss of function. Inheritance: Various modes of inheritance.

Allele frequency attached by ClinVar (database versions not stated): gnomAD 0.00001; gnomAD exomes 0.00001.

Submissions (2):

Labcorp Genetics (formerly Invitae), Labcorp
Classification: Uncertain significance for Long QT syndrome. Last evaluated: 2025-11-24. Review status: criteria provided, single submitter. Criteria: Invitae Variant Classification Sherloc (09022015). Collection method: clinical testing. Allele origin: germline.
Comment: This sequence change replaces aspartic acid, which is acidic and polar, with asparagine, which is neutral and polar, at codon 38 of the SNTA1 protein (p.Asp38Asn). This variant is not present in population databases (gnomAD no frequency). This variant has not been reported in the literature in individuals affected with SNTA1-related conditions. ClinVar contains an entry for this variant (Variation ID: 2609472). Invitae Evidence Modeling of protein sequence and biophysical properties (such as structural, functional, and spatial information, amino acid conservation, physicochemical variation, residue mobility, and thermodynamic stability) indicates that this missense variant is not expected to disrupt SNTA1 protein function with a negative predictive value of 80%. In summary, the available evidence is currently insufficient to determine the role of this variant in disease. Therefore, it has been classified as a Variant of Uncertain Significance.

Ambry Genetics
Classification: Uncertain significance for Cardiovascular phenotype. Last evaluated: 2024-07-07. Review status: criteria provided, single submitter. Criteria: Ambry Variant Classification Scheme 2023. Collection method: clinical testing. Allele origin: germline.
Comment: The p.D38N variant (also known as c.112G>A), located in coding exon 1 of the SNTA1 gene, results from a G to A substitution at nucleotide position 112. The aspartic acid at codon 38 is replaced by asparagine, an amino acid with highly similar properties. This amino acid position is conserved. In addition, this alteration is predicted to be tolerated by in silico analysis. Based on the available evidence, the clinical significance of this variant remains unclear.